The following is an entry in ClinVar:

NM_014000.3(VCL):c.2919G>C (p.Leu973Phe)

Gene: VCL (vinculin; plus strand). Cytogenetic location: 10q22.2.
Variant type: single nucleotide variant.
Coding change: c.2919G>C on transcript NM_014000.3 (MANE Select); coding-DNA position 2919, G replaced by C.
Protein change: p.Leu973Phe; replaces leucine 973 with phenylalanine.
Molecular consequence: missense variant. On other transcripts: intron variant (1).
Genome position (GRCh38, 1-based): chr10:74,112,082, G>C. VCF-style: chr10-74112082-G-C. GRCh37 (hg19) VCF-style: chr10-75871840-G-C.
Other names: c.2746-2102G>C (NM_003373.4); c.2919G>C (NM_014000.2); short protein forms L973F.
Identifiers: ClinVar variation 1054425 (VCV001054425.11), dbSNP rs2131937395, ClinGen allele CA377264869.

ClinVar aggregate classification (germline): Uncertain significance. Review status: criteria provided, multiple submitters, no conflicts (2 of 4 stars). 2 submissions from 2 submitters: Uncertain significance (2). Last evaluated 2025-10-27.

Conditions:
Dilated cardiomyopathy 1W (CMD1W). Identifiers: Orphanet 154, MedGen C1969639, MONDO:0012667, OMIM 611407.
Cardiovascular phenotype. Identifiers: MedGen CN230736.

Allele frequency attached by ClinVar (database versions not stated): gnomAD exomes below 0.00001.
gnomAD v4.1: 2 of 1,614,196 alleles (0.00012%); highest among the groups gnomAD compares: Non-Finnish European, 0.00017%; no homozygotes.

Submissions (2):

Ambry Genetics
Classification: Uncertain significance for Cardiovascular phenotype. Last evaluated: 2025-10-27. Review status: criteria provided, single submitter. Criteria: Ambry Variant Classification Scheme 2023. Collection method: clinical testing. Allele origin: germline.
Comment: The p.L973F variant (also known as c.2919G>C), located in coding exon 19 of the VCL gene, results from a G to C substitution at nucleotide position 2919. The leucine at codon 973 is replaced by phenylalanine, an amino acid with highly similar properties. This amino acid position is highly conserved in available vertebrate species. In addition, the in silico prediction for this alteration is inconclusive. Based on the available evidence, the clinical significance of this variant remains unclear.

Labcorp Genetics (formerly Invitae), Labcorp
Classification: Uncertain significance for Dilated cardiomyopathy 1W. Last evaluated: 2023-08-10. Review status: criteria provided, single submitter. Criteria: Invitae Variant Classification Sherloc (09022015). Collection method: clinical testing. Allele origin: germline.
Comment: This variant has not been reported in the literature in individuals affected with VCL-related conditions. This sequence change replaces leucine, which is neutral and non-polar, with phenylalanine, which is neutral and non-polar, at codon 973 of the VCL protein (p.Leu973Phe). This variant is not present in population databases (gnomAD no frequency). ClinVar contains an entry for this variant (Variation ID: 1054425). An algorithm developed to predict the effect of missense changes on protein structure and function (PolyPhen-2) suggests that this variant is likely to be tolerated. In summary, the available evidence is currently insufficient to determine the role of this variant in disease. Therefore, it has been classified as a Variant of Uncertain Significance.